The following is an entry in ClinVar:

NM_005654.6(NR2F1):c.931G>A (p.Ala311Thr)

Gene: NR2F1 (nuclear receptor subfamily 2 group F member 1; plus strand). Cytogenetic location: 5q15.
Variant type: single nucleotide variant.
Coding change: c.931G>A on transcript NM_005654.6 (MANE Select); coding-DNA position 931, G replaced by A.
Protein change: p.Ala311Thr; replaces alanine 311 with threonine.
Molecular consequence: missense variant.
Genome position (GRCh38, 1-based): chr5:93,588,384, G>A. VCF-style: chr5-93588384-G-A. GRCh37 (hg19) VCF-style: chr5-92924090-G-A.
Other names: short protein forms A311T.
Identifiers: ClinVar variation 1495091 (VCV001495091.8), dbSNP rs1753268123, ClinGen allele CA360527402.
Genomic context (GRCh38, chr5:93,588,384, plus strand): 5'-CGCGTCGTGGCCTTCATGGACCACATCCGCATCTTCCAGGAGCAGGTGGAGAAGCTCAAG[G>A]CGCTACACGTCGACTCAGCCGAGTACAGCTGCCTCAAAGCCATCGTGCTGTTCACGTCAG-3'
Protein context (NP_005645.1, residues 301-321): IFQEQVEKLK[Ala311Thr]LHVDSAEYSC

ClinVar aggregate classification (germline): Uncertain significance (1 of 4 stars; one submission).

Allele frequency attached by ClinVar (database versions not stated): gnomAD exomes below 0.00001; gnomAD 0.00001.

Submission:

Labcorp Genetics (formerly Invitae), Labcorp
Classification: Uncertain significance. Last evaluated: 2021-03-13. Review status: criteria provided, single submitter. Criteria: Invitae Variant Classification Sherloc (09022015). Collection method: clinical testing. Allele origin: germline.
Comment: In summary, the available evidence is currently insufficient to determine the role of this variant in disease. Therefore, it has been classified as a Variant of Uncertain Significance. Algorithms developed to predict the effect of missense changes on protein structure and function (SIFT, PolyPhen-2, Align-GVGD) all suggest that this variant is likely to be tolerated, but these predictions have not been confirmed by published functional studies and their clinical significance is uncertain. This variant has not been reported in the literature in individuals with NR2F1-related conditions. This variant is not present in population databases (ExAC no frequency). This sequence change replaces alanine with threonine at codon 311 of the NR2F1 protein (p.Ala311Thr). The alanine residue is highly conserved and there is a small physicochemical difference between alanine and threonine.